The following is an entry in ClinVar:

NM_005762.3(TRIM28):c.1061A>T (p.Glu354Val)

Gene: TRIM28 (tripartite motif containing 28; plus strand). Cytogenetic location: 19q13.43.
Variant type: single nucleotide variant.
Coding change: c.1061A>T on transcript NM_005762.3 (MANE Select); coding-DNA position 1061, A replaced by T.
Protein change: p.Glu354Val; replaces glutamic acid 354 with valine.
Molecular consequence: missense variant.
Genome position (GRCh38, 1-based): chr19:58,548,140, A>T. VCF-style: chr19-58548140-A-T. GRCh37 (hg19) VCF-style: chr19-59059507-A-T.
Other names: short protein forms E354V.
Identifiers: ClinVar variation 3660908 (VCV003660908.2).
Genomic context (GRCh38, chr19:58,548,140, plus strand): 5'-CCATGACCAAGATCCAGAAGCACCAGGAGCACATTCTGCGCTTTGCCTCTTGGGCTCTGG[A>T]GAGTGACAACAACACAGCCCTTTTGCTTTCTAAGAAGTTGGTGTGTACTGGTGGGCTCCT-3'
Protein context (NP_005753.1, residues 344-364): HILRFASWAL[Glu354Val]SDNNTALLLS

ClinVar aggregate classification (germline): Uncertain significance (1 of 4 stars; one submission).

Submission:

Labcorp Genetics (formerly Invitae), Labcorp
Classification: Uncertain significance. Last evaluated: 2025-08-31. Review status: criteria provided, single submitter. Criteria: Invitae Variant Classification Sherloc (09022015). Collection method: clinical testing. Allele origin: germline.
Comment: This sequence change replaces glutamic acid, which is acidic and polar, with valine, which is neutral and non-polar, at codon 354 of the TRIM28 protein (p.Glu354Val). This variant is not present in population databases (gnomAD no frequency). This variant has not been reported in the literature in individuals affected with TRIM28-related conditions. ClinVar contains an entry for this variant (Variation ID: 3660908). Experimental studies and prediction algorithms are not available or were not evaluated, and the functional significance of this variant is currently unknown. Algorithms developed to predict the effect of sequence changes on RNA splicing suggest that this variant may disrupt the consensus splice site. In summary, the available evidence is currently insufficient to determine the role of this variant in disease. Therefore, it has been classified as a Variant of Uncertain Significance.